The following is an entry in ClinVar:

ClinVar aggregate classification (germline): Uncertain significance. Review status: criteria provided, multiple submitters, no conflicts (2 of 4 stars). 2 submissions from 2 submitters: Uncertain significance (2). Last evaluated 2024-01-22.

Conditions:
Spastic paraplegia. Identifiers: MedGen C0037772, HP:0001258.
Hereditary spastic paraplegia. Also called: Familial spastic paraparesis. Identifiers: Orphanet 685, MedGen C0037773, MONDO:0019064. Disease mechanism: loss of function.

Allele frequency attached by ClinVar (database versions not stated): TOPMed below 0.00001; gnomAD 0.00001; gnomAD exomes 0.00001; ExAC 0.00002.
gnomAD v4.1: 5 of 1,613,822 alleles (0.00031%); highest among the groups gnomAD compares: Non-Finnish European, 0.00042%; no homozygotes.

Submissions (2):

Labcorp Genetics (formerly Invitae), Labcorp
Classification: Uncertain significance for Spastic paraplegia. Last evaluated: 2024-01-22. Review status: criteria provided, single submitter. Criteria: Invitae Variant Classification Sherloc (09022015). Collection method: clinical testing. Allele origin: germline.
Comment: This sequence change replaces threonine, which is neutral and polar, with isoleucine, which is neutral and non-polar, at codon 71 of the AP4E1 protein (p.Thr71Ile). This variant is present in population databases (rs755540057, gnomAD 0.003%). This variant has not been reported in the literature in individuals affected with AP4E1-related conditions. ClinVar contains an entry for this variant (Variation ID: 1343998). An algorithm developed to predict the effect of missense changes on protein structure and function (PolyPhen-2) suggests that this variant¬†is likely to be tolerated. In summary, the available evidence is currently insufficient to determine the role of this variant in disease. Therefore, it has been classified as a Variant of Uncertain Significance.

Genome Diagnostics Laboratory, The Hospital for Sick Children
Classification: Uncertain significance for Hereditary spastic paraplegia. Last evaluated: 2018-11-01. Review status: criteria provided, single submitter. Criteria: ACMG Guidelines, 2015. Collection method: clinical testing. Allele origin: germline. Affected: yes.

NM_007347.5(AP4E1):c.212C>T (p.Thr71Ile)

Gene: AP4E1 (adaptor related protein complex 4 subunit epsilon 1; plus strand). Cytogenetic location: 15q21.2.
Variant type: single nucleotide variant.
Coding change: c.212C>T on transcript NM_007347.5 (MANE Select); coding-DNA position 212, C replaced by T.
Protein change: p.Thr71Ile; replaces threonine 71 with isoleucine.
Molecular consequence: missense variant. On other transcripts: 5 prime UTR variant (1).
Genome position (GRCh38, 1-based): chr15:50,912,139, C>T. VCF-style: chr15-50912139-C-T. GRCh37 (hg19) VCF-style: chr15-51204336-C-T.
Other names: c.-37C>T (NM_001252127.2); short protein forms T71I.
Identifiers: ClinVar variation 1343998 (VCV001343998.6), dbSNP rs755540057, ClinGen allele CA7558681.